The following is an entry in ClinVar:

ClinVar aggregate classification (germline): Uncertain significance (1 of 4 stars; one submission).

Conditions:
Perlman syndrome (PRLMNS). Identifiers: Orphanet 2849, MedGen C0796113, MONDO:0009965, OMIM 267000.

Submission:

Labcorp Genetics (formerly Invitae), Labcorp
Classification: Uncertain significance for Perlman syndrome. Last evaluated: 2019-03-28. Review status: criteria provided, single submitter. Criteria: Invitae Variant Classification Sherloc (09022015). Collection method: clinical testing. Allele origin: germline.
Comment: This sequence change replaces serine with asparagine at codon 885 of the DIS3L2 protein (p.Ser885Asn). The serine residue is weakly conserved and there is a small physicochemical difference between serine and asparagine. This variant is not present in population databases (ExAC no frequency). In summary, the available evidence is currently insufficient to determine the role of this variant in disease. Therefore, it has been classified as a Variant of Uncertain Significance. This variant has not been reported in the literature in individuals with DIS3L2-related conditions.

NM_152383.5(DIS3L2):c.2654G>A (p.Ser885Asn)

Gene: DIS3L2 (DIS3 like 3'-5' exoribonuclease 2; plus strand). Cytogenetic location: 2q37.1.
Variant type: single nucleotide variant.
Coding change: c.2654G>A on transcript NM_152383.5 (MANE Select); coding-DNA position 2654, G replaced by A.
Protein change: p.Ser885Asn; replaces serine 885 with asparagine.
Molecular consequence: missense variant. On other transcripts: non-coding transcript variant (2), intron variant (1).
Genome position (GRCh38, 1-based): chr2:232,336,626, G>A. VCF-style: chr2-232336626-G-A. GRCh37 (hg19) VCF-style: chr2-233201336-G-A.
Other names: c.1582-6719G>A (NM_001257281.2); short protein forms S885N.
Identifiers: ClinVar variation 849965 (VCV000849965.9), dbSNP rs1695960782, ClinGen allele CA350979157.